The following is an entry in ClinVar:

ClinVar aggregate classification (germline): Pathogenic. Review status: criteria provided, multiple submitters, no conflicts (2 of 4 stars). 2 submissions from 2 submitters: Pathogenic (2). Last evaluated 2021-11-03.

Conditions:
Hereditary breast ovarian cancer syndrome. Also called: Hereditary breast and/or ovarian cancer syndrome; Hereditary breast and ovarian cancer syndrome; Hereditary breast and ovarian cancer; Breast and ovarian cancer; Hereditary breast and ovarian cancer syndrome (HBOC); BRCA1- and BRCA2-Associated Hereditary Breast and Ovarian Cancer. Identifiers: Orphanet 145, MedGen C0677776, MeSH D061325, MONDO:0003582. Disease mechanism: loss of function.

Submissions (2):

Institute for Clinical Genetics, University Hospital TU Dresden, University Hospital TU Dresden
Classification: Pathogenic. Last evaluated: 2021-11-03. Review status: criteria provided, single submitter. Criteria: ACMG Guidelines, 2015. Collection method: clinical testing. Allele origin: germline.

Labcorp Genetics (formerly Invitae), Labcorp
Classification: Pathogenic for Hereditary breast ovarian cancer syndrome. Last evaluated: 2021-07-09. Review status: criteria provided, single submitter. Criteria: Invitae Variant Classification Sherloc (09022015). Collection method: clinical testing. Allele origin: germline.
Comment: For these reasons, this variant has been classified as Pathogenic. This sequence change creates a premature translational stop signal (p.Tyr1625Ilefs*8) in the BRCA1 gene. It is expected to result in an absent or disrupted protein product. Loss-of-function variants in BRCA1 are known to be pathogenic (PMID: 20104584). This variant is not present in population databases (ExAC no frequency). This variant has not been reported in the literature in individuals with BRCA1-related conditions. Algorithms developed to predict the effect of sequence changes on RNA splicing suggest that this variant may create or strengthen a splice site, but this prediction has not been confirmed by published transcriptional studies.

Literature cited by the submitters: PubMed 20104584 (cited by Labcorp Genetics (formerly Invitae), Labcorp).

NM_007294.4(BRCA1):c.4872del (p.Tyr1625fs)

Gene: BRCA1 (BRCA1 DNA repair associated; minus strand). Cytogenetic location: 17q21.31.
Variant type: Deletion.
Coding change: c.4872del on transcript NM_007294.4 (MANE Select); coding-DNA position 4872, one base deleted (G; older notation c.4872delG).
Protein change: p.Tyr1625fs; shifts the reading frame from tyrosine 1625.
Molecular consequence: frameshift variant. On other transcripts: non-coding transcript variant (1).
Genome position (GRCh38, 1-based): chr17:43,071,042, C deleted on the plus strand (G on the coding strand, the reverse complement: BRCA1 is on the minus strand); the first of 3 consecutive C bases (chr17:43,071,042-43,071,044); deleting any one gives the same sequence. VCF-style (leftmost placement, unchanged base first): chr17-43071041-AC-A. GRCh37 (hg19) VCF-style: chr17-41223058-AC-A.
Other names: c.4657delG, p.Tyr1554Ilefs (NM_001407571.1, NM_001407894.1, NM_001407895.1 and 12 more transcripts); c.4936delG, p.Tyr1647Ilefs (NM_001407581.1, NM_001407582.1); c.4933delG, p.Tyr1646Ilefs (NM_001407583.1, NM_001407585.1, NM_001407587.1); c.4930delG, p.Tyr1645Ilefs (NM_001407590.1, NM_001407591.1); c.4870delG, p.Tyr1625Ilefs (NM_001407593.1, NM_001407594.1, NM_001407596.1 and 9 more transcripts); c.4867delG, p.Tyr1624Ilefs (NM_001407610.1, NM_001407611.1, NM_001407612.1 and 17 more transcripts); c.4864delG, p.Tyr1623Ilefs (NM_001407627.1, NM_001407628.1, NM_001407629.1 and 14 more transcripts); c.4861delG, p.Tyr1622Ilefs (NM_001407644.1, NM_001407645.1); and 73 more; short protein forms Y1578fs, Y1625fs, Y1646fs, Y521fs.
Identifiers: ClinVar variation 1319804 (VCV001319804.10), dbSNP rs2153828150, ClinGen allele CA2573054439.